The following is an entry in ClinVar:

ClinVar aggregate classification (germline): Likely benign (1 of 4 stars; one submission).

gnomAD v4.1: 569 of 152,304 alleles (0.37%); highest among the groups gnomAD compares: South Asian, 0.73%; 8 homozygotes.

Submission:

CeGaT Center for Human Genetics Tuebingen
Classification: Likely benign. Last evaluated: 2026-06-01. Review status: criteria provided, single submitter. Criteria: CeGaT Center For Human Genetics Tuebingen Variant Classification Criteria Version 2. Collection method: clinical testing. Allele origin: germline. Affected: yes. Observed: 3 variant alleles.
Comment: BCR: BS2

NM_004327.4(BCR):c.2783-181G>A

Genes: BCR (BCR activator of RhoGEF and GTPase; plus strand), LOC107963955 (BCR-ABL major-breakpoint cluster region; plus strand), LOC129929045 (ATAC-STARR-seq lymphoblastoid active region 18755; plus strand). Cytogenetic location: 22q11.23.
Variant type: single nucleotide variant.
Coding change: c.2783-181G>A on transcript NM_004327.4 (MANE Select); 181 bases into the intron before coding-DNA position 2783, G replaced by A.
Molecular consequence: intron variant.
Genome position (GRCh38, 1-based): chr22:23,292,360, G>A. VCF-style: chr22-23292360-G-A. GRCh37 (hg19) VCF-style: chr22-23634547-G-A.
Other names: c.2783-181G>A (NM_021574.3).
Identifiers: ClinVar variation 3388104 (VCV003388104.14).